The following is an entry in ClinVar:

ClinVar aggregate classification (germline): Uncertain significance (1 of 4 stars; one submission).

Submission:

Mayo Clinic Laboratories, Mayo Clinic
Classification: Uncertain significance. Last evaluated: 2023-12-15. Review status: criteria provided, single submitter. Criteria: ACMG Guidelines, 2015. Collection method: clinical testing. Allele origin: germline. Observed: 1 variant allele.
Comment: BS2

NM_021871.4(FGA):c.389T>C (p.Val130Ala)

Gene: FGA (fibrinogen alpha chain; minus strand). Cytogenetic location: 4q31.3.
Variant type: single nucleotide variant.
Coding change: c.389T>C on transcript NM_021871.4 (MANE Select); coding-DNA position 389, T replaced by C.
Protein change: p.Val130Ala; replaces valine 130 with alanine.
Molecular consequence: missense variant.
Genome position (GRCh38, 1-based): chr4:154,587,633, A>G on the plus strand (T>C on the coding strand, the complement: FGA is on the minus strand). VCF-style: chr4-154587633-A-G. GRCh37 (hg19) VCF-style: chr4-155508785-A-G.
Other names: p.Val130Ala; c.389T>C, p.Val130Ala (NM_000508.5); short protein forms V130A.
Identifiers: ClinVar variation 3379565 (VCV003379565.1).